The following is an entry in ClinVar:

NM_004082.5(DCTN1):c.1854+6G>C

Gene: DCTN1 (dynactin subunit 1; minus strand). Cytogenetic location: 2p13.1.
Variant type: single nucleotide variant.
Coding change: c.1854+6G>C on transcript NM_004082.5 (MANE Select); 6 bases into the intron after coding-DNA position 1854, G replaced by C.
Molecular consequence: intron variant.
Genome position (GRCh38, 1-based): chr2:74,368,722, C>G on the plus strand (G>C on the coding strand, the complement: DCTN1 is on the minus strand). VCF-style: chr2-74368722-C-G. GRCh37 (hg19) VCF-style: chr2-74595849-C-G.
Other names: c.1743+6G>C (NM_001190836.2); c.1785+6G>C (NM_001378992.1); c.1803+6G>C (NM_001378991.1); c.1794+6G>C (NM_001135040.3); c.1833+6G>C (NM_001190837.2); c.1452+6G>C (NM_001135041.3, NM_023019.4).
Identifiers: ClinVar variation 3356679 (VCV003356679.1).

ClinVar aggregate classification (germline): Likely benign (0 of 4 stars; one submission).

Conditions:
DCTN1-related disorder. Also called: DCTN1-related condition.

gnomAD v4.1: 1 of 1,614,222 alleles (0.000062%); no homozygotes.

Submission:

PreventionGenetics, part of Exact Sciences
Classification: Likely benign for DCTN1-related condition. Last evaluated: 2024-03-25. Review status: no assertion criteria provided. Collection method: clinical testing. Allele origin: germline.
Comment: This variant is classified as likely benign based on ACMG/AMP sequence variant interpretation guidelines (Richards et al. 2015 PMID: 25741868, with internal and published modifications).